The following is an entry in ClinVar:

ClinVar aggregate classification (germline): Uncertain significance (1 of 4 stars; one submission).

Conditions:
Pitt-Hopkins-like syndrome 2 (PTHSL2). Identifiers: Orphanet 221150, Orphanet 600663, MedGen C3280479, MONDO:0013690, OMIM 614325.

gnomAD v4.1: 1 of 1,612,214 alleles (0.000062%); highest among the groups gnomAD compares: East Asian, 0.0022%; no homozygotes.

Submission:

Labcorp Genetics (formerly Invitae), Labcorp
Classification: Uncertain significance for Pitt-Hopkins-like syndrome 2. Last evaluated: 2025-10-05. Review status: criteria provided, single submitter. Criteria: Invitae Variant Classification Sherloc (09022015). Collection method: clinical testing. Allele origin: germline.
Comment: This sequence change replaces isoleucine, which is neutral and non-polar, with valine, which is neutral and non-polar, at codon 1045 of the NRXN1 protein (p.Ile1045Val). This variant is present in population databases (rs200444860, gnomAD 0.006%). This variant has not been reported in the literature in individuals affected with NRXN1-related conditions. An algorithm developed to predict the effect of missense changes on protein structure and function (PolyPhen-2) suggests that this variant is likely to be disruptive. In summary, the available evidence is currently insufficient to determine the role of this variant in disease. Therefore, it has been classified as a Variant of Uncertain Significance.

NM_001330078.2(NRXN1):c.3013A>G (p.Ile1005Val)

Gene: NRXN1 (neurexin 1; minus strand). Cytogenetic location: 2p16.3.
Variant type: single nucleotide variant.
Coding change: c.3013A>G on transcript NM_001330078.2 (MANE Select); coding-DNA position 3013, A replaced by G.
Protein change: p.Ile1005Val; replaces isoleucine 1005 with valine.
Molecular consequence: missense variant.
Genome position (GRCh38, 1-based): chr2:50,495,962, T>C on the plus strand (A>G on the coding strand, the complement: NRXN1 is on the minus strand). VCF-style: chr2-50495962-T-C. GRCh37 (hg19) VCF-style: chr2-50723100-T-C.
Other names: c.3133A>G, p.Ile1045Val (NM_001135659.3); c.2989A>G, p.Ile997Val (NM_001330077.2, NM_001330082.2); c.2947A>G, p.Ile983Val (NM_001330083.2, NM_001330084.2); c.2986A>G, p.Ile996Val (NM_001330085.2); c.3013A>G, p.Ile1005Val (NM_001330086.2, NM_004801.6); c.2902A>G, p.Ile968Val (NM_001330087.2, NM_001330096.2); c.2932A>G, p.Ile978Val (NM_001330088.2); c.3010A>G, p.Ile1004Val (NM_001330093.2); and 2 more; short protein forms I1001V, I1004V, I968V, I1045V, I983V, I996V, I1005V, I978V.
Identifiers: ClinVar variation 4749024 (VCV004749024.1).
Genomic context (GRCh38, chr2:50,495,962, plus strand): 5'-TACTCTTGAGGTCTAAGTTCCTGGCTCCGGCGGTGATTTGCGTTGTGATTTTTGTGTCAA[T>C]CTTTACAGTGTGGAGGTTGCTGGTGTCCCTTGATATCATCACGTTGTGCCACTGATTGTC-3'
Protein context (NP_001317007.1, residues 995-1015): RDTSNLHTVK[Ile1005Val]DTKITTQITA